The following is an entry in ClinVar:

ClinVar aggregate classification (germline): Uncertain significance (1 of 4 stars; one submission).

Conditions:
Hereditary cancer-predisposing syndrome. Also called: Neoplastic Syndromes, Hereditary; Tumor predisposition; Hereditary Cancer Syndrome; Hereditary neoplastic syndrome. Identifiers: Orphanet 140162, MedGen C0027672, MeSH D009386, MONDO:0015356.

gnomAD v4.1: 2 of 1,613,716 alleles (0.00012%); highest among the groups gnomAD compares: Non-Finnish European, 0.00017%; no homozygotes.

Submission:

Ambry Genetics
Classification: Uncertain significance for Hereditary cancer-predisposing syndrome. Last evaluated: 2026-03-11. Review status: criteria provided, single submitter. Criteria: Ambry Variant Classification Scheme 2023. Collection method: clinical testing. Allele origin: germline.
Comment: The p.Q1588R variant (also known as c.4763A>G), located in coding exon 37 of the POLE gene, results from an A to G substitution at nucleotide position 4763. The glutamine at codon 1588 is replaced by arginine, an amino acid with highly similar properties. This amino acid position is conserved. In addition, the in silico prediction for this alteration is inconclusive. Based on the available evidence, the clinical significance of this variant remains unclear.

NM_006231.4(POLE):c.4763A>G (p.Gln1588Arg)

Gene: POLE (DNA polymerase epsilon, catalytic subunit; minus strand). Cytogenetic location: 12q24.33.
Variant type: single nucleotide variant.
Coding change: c.4763A>G on transcript NM_006231.4 (MANE Select); coding-DNA position 4763, A replaced by G.
Protein change: p.Gln1588Arg; replaces glutamine 1588 with arginine.
Molecular consequence: missense variant.
Genome position (GRCh38, 1-based): chr12:132,642,695, T>C on the plus strand (A>G on the coding strand, the complement: POLE is on the minus strand). VCF-style: chr12-132642695-T-C. GRCh37 (hg19) VCF-style: chr12-133219281-T-C.
Other names: short protein forms Q1588R.
Identifiers: ClinVar variation 4841604 (VCV004841604.1).